The following is an entry in ClinVar:

ClinVar aggregate classification (germline): Uncertain significance. Review status: criteria provided, multiple submitters, no conflicts (2 of 4 stars). 2 submissions from 2 submitters: Uncertain significance (2). Last evaluated 2022-12-14.

Conditions:
Inborn genetic diseases. Identifiers: MedGen C0950123, MeSH D030342.

Submissions (2):

Ambry Genetics
Classification: Uncertain significance for Inborn genetic diseases. Last evaluated: 2022-12-14. Review status: criteria provided, single submitter. Criteria: Ambry Variant Classification Scheme 2023. Collection method: clinical testing. Allele origin: germline.

Labcorp Genetics (formerly Invitae), Labcorp
Classification: Uncertain significance. Last evaluated: 2022-10-24. Review status: criteria provided, single submitter. Criteria: Invitae Variant Classification Sherloc (09022015). Collection method: clinical testing. Allele origin: germline.
Comment: ClinVar contains an entry for this variant (Variation ID: 1520931). Algorithms developed to predict the effect of missense changes on protein structure and function are either unavailable or do not agree on the potential impact of this missense change (SIFT: "Deleterious"; PolyPhen-2: "Benign"; Align-GVGD: "Class C0"). In summary, the available evidence is currently insufficient to determine the role of this variant in disease. Therefore, it has been classified as a Variant of Uncertain Significance. This sequence change replaces methionine, which is neutral and non-polar, with threonine, which is neutral and polar, at codon 940 of the CACNA2D4 protein (p.Met940Thr). This variant is not present in population databases (gnomAD no frequency). This variant has not been reported in the literature in individuals affected with CACNA2D4-related conditions.

NM_172364.5(CACNA2D4):c.2819T>C (p.Met940Thr)

Gene: CACNA2D4 (calcium voltage-gated channel auxiliary subunit alpha2delta 4; minus strand). Cytogenetic location: 12p13.33.
Variant type: single nucleotide variant.
Coding change: c.2819T>C on transcript NM_172364.5 (MANE Select); coding-DNA position 2819, T replaced by C.
Protein change: p.Met940Thr; replaces methionine 940 with threonine.
Molecular consequence: missense variant.
Genome position (GRCh38, 1-based): chr12:1,801,092, A>G on the plus strand (T>C on the coding strand, the complement: CACNA2D4 is on the minus strand). VCF-style: chr12-1801092-A-G. GRCh37 (hg19) VCF-style: chr12-1910258-A-G.
Other names: c.2819T>C (NM_172364.4); short protein forms M940T.
Identifiers: ClinVar variation 1520931 (VCV001520931.9), dbSNP rs2154445306, ClinGen allele CA383349203.
Genomic context (GRCh38, chr12:1,801,092, plus strand): 5'-GTGACACTCACGCTGACCAGGGGCTGGGCTGCACTGTGGTGGTGACTCGAGGGTTTGCAC[A>G]TGGCCTGATAGTCATACATAGTCACTCTGAAAATCAGAAGCGGGCTGTGATGAGTCCAAA-3'
Protein context (NP_758952.4, residues 930-950): SQVTMYDYQA[Met940Thr]CKPSSHHHSA